The following is an entry in ClinVar:

ClinVar aggregate classification (germline): Uncertain significance (1 of 4 stars; one submission).

Conditions:
Fanconi anemia (FA). Also called: Fanconi's anemia. Identifiers: Orphanet 84, MedGen C0015625, MeSH D005199, MONDO:0019391.

gnomAD v4.1: 19 of 1,613,970 alleles (0.0012%); highest among the groups gnomAD compares: Non-Finnish European, 0.0016%; no homozygotes.

Submission:

Labcorp Genetics (formerly Invitae), Labcorp
Classification: Uncertain significance for Fanconi anemia. Last evaluated: 2025-08-13. Review status: criteria provided, single submitter. Criteria: Invitae Variant Classification Sherloc (09022015). Collection method: clinical testing. Allele origin: germline.
Comment: This sequence change replaces arginine, which is basic and polar, with serine, which is neutral and polar, at codon 119 of the SLX4 protein (p.Arg119Ser). This variant is not present in population databases (gnomAD no frequency). This variant has not been reported in the literature in individuals affected with SLX4-related conditions. An algorithm developed to predict the effect of missense changes on protein structure and function (PolyPhen-2) suggests that this variant is likely to be tolerated. In summary, the available evidence is currently insufficient to determine the role of this variant in disease. Therefore, it has been classified as a Variant of Uncertain Significance.

NM_032444.4(SLX4):c.357G>C (p.Arg119Ser)

Gene: SLX4 (SLX4 structure-specific endonuclease subunit; minus strand). Cytogenetic location: 16p13.3.
Variant type: single nucleotide variant.
Coding change: c.357G>C on transcript NM_032444.4 (MANE Select); coding-DNA position 357, G replaced by C.
Protein change: p.Arg119Ser; replaces arginine 119 with serine.
Molecular consequence: missense variant.
Genome position (GRCh38, 1-based): chr16:3,608,608, C>G on the plus strand (G>C on the coding strand, the complement: SLX4 is on the minus strand). VCF-style: chr16-3608608-C-G. GRCh37 (hg19) VCF-style: chr16-3658609-C-G.
Other names: short protein forms R119S.
Identifiers: ClinVar variation 4772313 (VCV004772313.1).